The following is an entry in ClinVar:

NM_005859.5(PURA):c.948G>A (p.Glu316=)

Gene: PURA (purine rich element binding protein A; plus strand). Cytogenetic location: 5q31.3.
Variant type: single nucleotide variant.
Coding change: c.948G>A on transcript NM_005859.5 (MANE Select); coding-DNA position 948, G replaced by A.
Protein change: p.Glu316=; no amino-acid change (glutamic acid 316 retained).
Molecular consequence: synonymous variant.
Genome position (GRCh38, 1-based): chr5:140,115,129, G>A. VCF-style: chr5-140115129-G-A. GRCh37 (hg19) VCF-style: chr5-139494714-G-A.
Identifiers: ClinVar variation 1979754 (VCV001979754.5), dbSNP rs574039706, ClinGen allele CA3437519.

ClinVar aggregate classification (germline): Conflicting classifications of pathogenicity. Review status: criteria provided, conflicting classifications (1 of 4 stars). 2 submissions from 2 submitters: Uncertain significance (1); Likely benign (1). Last evaluated 2022-10-13.

Conditions:
PURA-related severe neonatal hypotonia-seizures-encephalopathy syndrome (NEDRIHF). Also called: NEURODEVELOPMENTAL DISORDER WITH NEONATAL RESPIRATORY INSUFFICIENCY, HYPOTONIA, AND FEEDING DIFFICULTIES; PURA-Related Neurodevelopmental Disorders. Identifiers: Orphanet 438213, Orphanet 438216, MedGen C4015357, MONDO:1060108, OMIM 616158, MONDO:0018580.

Allele frequency attached by ClinVar (database versions not stated): gnomAD exomes below 0.00001; gnomAD 0.00001; ExAC 0.00003; TOPMed 0.00003; 1000 Genomes Project 30x 0.00016; 1000 Genomes Project 0.00020.

Submissions (2):

Labcorp Genetics (formerly Invitae), Labcorp
Classification: Uncertain significance for PURA-related severe neonatal hypotonia-seizures-encephalopathy syndrome. Last evaluated: 2022-10-13. Review status: criteria provided, single submitter. Criteria: Invitae Variant Classification Sherloc (09022015). Collection method: clinical testing. Allele origin: germline.
Comment: Algorithms developed to predict the effect of sequence changes on RNA splicing suggest that this variant may disrupt the consensus splice site. In summary, the available evidence is currently insufficient to determine the role of this variant in disease. Therefore, it has been classified as a Variant of Uncertain Significance. This variant has not been reported in the literature in individuals affected with PURA-related conditions. This variant is present in population databases (rs574039706, gnomAD 0.01%). This sequence change affects codon 316 of the PURA mRNA. It is a 'silent' change, meaning that it does not change the encoded amino acid sequence of the PURA protein.

Blueprint Genetics
Classification: Likely benign. Last evaluated: 2021-10-12. Review status: criteria provided, single submitter. Criteria: ACMG Guidelines, 2015. Collection method: clinical testing. Allele origin: germline.